The following is an entry in ClinVar:

NM_052947.4(ALPK2):c.2314G>A (p.Val772Met)

Gene: ALPK2 (alpha kinase 2; minus strand). Cytogenetic location: 18q21.31.
Variant type: single nucleotide variant.
Coding change: c.2314G>A on transcript NM_052947.4 (MANE Select); coding-DNA position 2314, G replaced by A.
Protein change: p.Val772Met; replaces valine 772 with methionine.
Molecular consequence: missense variant.
Genome position (GRCh38, 1-based): chr18:58,537,873, C>T on the plus strand (G>A on the coding strand, the complement: ALPK2 is on the minus strand). VCF-style: chr18-58537873-C-T. GRCh37 (hg19) VCF-style: chr18-56205105-C-T.
Other names: short protein forms V772M.
Identifiers: ClinVar variation 3228626 (VCV003228626.1), dbSNP rs2518877848, ClinGen allele CA402571029.
Genomic context (GRCh38, chr18:58,537,873, plus strand): 5'-ACACATTTTCCAGGGTGAGGGCAGTATCTGTGGGTTCAGGGGAAGCAACAGAGACAGCCA[C>T]AGGCTCCCTGAAGTCAGCACGAGCATCCTTGGGGAGATGCCTTGAGAACACACCTGGGGA-3'
Protein context (NP_443179.3, residues 762-782): KDARADFREP[Val772Met]AVSVASPEPT

ClinVar aggregate classification (germline): Uncertain significance (1 of 4 stars; one submission).

Allele frequency attached by ClinVar (database versions not stated): gnomAD exomes below 0.00001.
gnomAD v4.1: 1 of 1,614,170 alleles (0.000062%); highest among the groups gnomAD compares: Non-Finnish European, 0.000085%; no homozygotes.

Submission:

Ambry Genetics
Classification: Uncertain significance. Last evaluated: 2024-03-10. Review status: criteria provided, single submitter. Criteria: Ambry Variant Classification Scheme 2023. Collection method: clinical testing. Allele origin: germline.
Comment: The p.V772M variant (also known as c.2314G>A), located in coding exon 4 of the ALPK2 gene, results from a G to A substitution at nucleotide position 2314. The valine at codon 772 is replaced by methionine, an amino acid with highly similar properties. This amino acid position is conserved. In addition, this alteration is predicted to be tolerated by in silico analysis. Based on the available evidence, the clinical significance of this alteration remains unclear.